The following is an entry in ClinVar:

ClinVar aggregate classification (germline): Uncertain significance. Review status: criteria provided, multiple submitters, no conflicts (2 of 4 stars). 12 submissions from 9 submitters: Uncertain significance (11). 1 of the submissions does not count toward it. Last evaluated 2025-05-13.

Conditions:
MPZ-related disorder. Also called: MPZ-related condition; MPZ-related disorders.
Charcot-Marie-Tooth disease, type I (CMT1). Also called: Charcot-Marie-Tooth, Type 1; Charcot-Marie-Tooth disease type 1. Identifiers: Orphanet 65753, MedGen C0751036, MONDO:0019011.
Inborn genetic diseases. Identifiers: MedGen C0950123, MeSH D030342.
Roussy-Lévy syndrome. Also called: Roussy-Levy Syndrome; Roussy Levy hereditary areflexic dystasia; Roussy-Levy disease; Hereditary areflexic dystasia. Identifiers: Orphanet 3115, MedGen C0205713, MONDO:0008392, OMIM 180800.
Neuropathy, congenital hypomyelinating, 2. Identifiers: MedGen C4722277, MONDO:0020765, OMIM 618184.
Charcot-Marie-Tooth disease. Also called: Charcot-Marie-Tooth Neuropathy; Charcot-Marie-Tooth Hereditary Neuropathy. Identifiers: Orphanet 166, MedGen C0007959, MONDO:0015626.
Charcot-Marie-Tooth disease type 1B. Also called: HEREDITARY MOTOR AND SENSORY NEUROPATHY I; HEREDITARY MOTOR AND SENSORY NEUROPATHY IB; CHARCOT-MARIE-TOOTH DISEASE, AUTOSOMAL DOMINANT, WITH FOCALLY FOLDED MYELIN SHEATHS, TYPE 1B; CHARCOT-MARIE-TOOTH DISEASE, SLOW NERVE CONDUCTION TYPE, LINKED TO DUFFY; CHARCOT-MARIE-TOOTH NEUROPATHY, TYPE 1B; PERONEAL MUSCULAR ATROPHY. Identifiers: Orphanet 101082, MedGen C0270912, MONDO:0007307, OMIM 118200.
Charcot-Marie-Tooth disease dominant intermediate D. Also called: CHARCOT-MARIE-TOOTH NEUROPATHY, DOMINANT INTERMEDIATE D; Charcot-Marie-Tooth disease dominant intermediate 3; CMT DI3. Identifiers: Orphanet 100046, MedGen C1843075, MONDO:0011909, OMIM 607791.

Allele frequency attached by ClinVar (database versions not stated): TOPMed 0.00002; gnomAD 0.00003 and 0.00004; gnomAD exomes 0.00004; ExAC 0.00006.
gnomAD v4.1: 62 of 1,613,846 alleles (0.0038%); highest among the groups gnomAD compares: Admixed American, 0.0067%; no homozygotes.

Submissions (12):

PreventionGenetics, part of Exact Sciences
Classification: Uncertain significance for MPZ-related condition. Last evaluated: 2025-05-13. Review status: criteria provided, single submitter. Criteria: ACMG Guidelines, 2015. Collection method: clinical testing. Allele origin: germline.
Comment: The MPZ c.428C>T variant is predicted to result in the amino acid substitution p.Thr143Met. This variant was reported in two individuals with Charcot-Marie-Tooth disease (Nelis et al. 1999. PubMed ID: 9888385; Table S1, Fridman et al. 2022. PubMed ID: 36203352). This variant is reported in 0.0087% of alleles in individuals of Latino descent in gnomAD. At this time, the clinical significance of this variant is uncertain due to the absence of conclusive functional and genetic evidence.

Labcorp Genetics (formerly Invitae), Labcorp
Classification: Uncertain significance for Charcot-Marie-Tooth disease, type I. Last evaluated: 2025-05-06. Review status: criteria provided, single submitter. Criteria: Invitae Variant Classification Sherloc (09022015). Collection method: clinical testing. Allele origin: germline.
Comment: This sequence change replaces threonine, which is neutral and polar, with methionine, which is neutral and non-polar, at codon 143 of the MPZ protein (p.Thr143Met). This variant is present in population databases (rs750724650, gnomAD 0.006%). This missense change has been observed in individuals with clinical features of Charcot-Marie-Tooth disease (PMID: 20456450; internal data). Invitae Evidence Modeling of clinical and family history, age, sex, and reported ancestry of multiple individuals with this MPZ variant has been performed. This variant is expected to be benign with a negative predictive value of at least 95%. This is a validated machine learning model that incorporates the clinical features of 13,236 individuals referred to our laboratory for MPZ testing. ClinVar contains an entry for this variant (Variation ID: 531684). Invitae Evidence Modeling of protein sequence and biophysical properties (such as structural, functional, and spatial information, amino acid conservation, physicochemical variation, residue mobility, and thermodynamic stability) indicates that this missense variant is not expected to disrupt MPZ protein function with a negative predictive value of 80%. In summary, the available evidence is currently insufficient to determine the role of this variant in disease. Therefore, it has been classified as a Variant of Uncertain Significance.

Athena Diagnostics
Classification: Uncertain significance. Last evaluated: 2025-03-18. Review status: criteria provided, single submitter. Criteria: Athena Diagnostics Criteria. Collection method: clinical testing. Allele origin: unknown.
Comment: Available data are insufficient to determine the clinical significance of the variant at this time. The frequency of this variant in the general population is uninformative in assessment of its pathogenicity. This variant has been identified in at least one individual with clinical features associated with this gene. This variant has been seen where an alternate explanation for disease was also identified, suggesting this variant may not cause disease. Polyphen and MutationTaster predict this amino acid change may be damaging to the protein. The variant is located in a region that is considered important for protein function and/or structure.

Mayo Clinic Laboratories, Mayo Clinic
Classification: Uncertain significance. Last evaluated: 2024-08-23. Review status: criteria provided, single submitter. Criteria: ACMG Guidelines, 2015. Collection method: clinical testing. Allele origin: germline. Observed: 1 variant allele.

GeneDx
Classification: Uncertain significance. Last evaluated: 2023-08-23. Review status: criteria provided, single submitter. Criteria: GeneDx Variant Classification Process June 2021. Collection method: clinical testing. Allele origin: germline. Affected: yes.
Comment: Observed in at least one individual with axonal neuropathy in published literature; however, no further clinical information was provided (Haites et al., 1998; Fridman et al., 2022); Missense variants in this gene are often considered pathogenic (HGMD); In silico analysis supports that this missense variant does not alter protein structure/function; This variant is associated with the following publications: (PMID: 26135405, 9888385, 26310628, 20461396, 10093067, 36203352)

Ambry Genetics
Classification: Uncertain significance for Inborn genetic diseases. Last evaluated: 2022-10-24. Review status: criteria provided, single submitter. Criteria: Ambry Variant Classification Scheme 2023. Collection method: clinical testing. Allele origin: germline.

Institute of Human Genetics, University of Leipzig Medical Center
Classification: Uncertain significance for Charcot-Marie-Tooth disease type 1B. Last evaluated: 2021-01-14. Review status: criteria provided, single submitter. Criteria: ACMG Guidelines, 2015. Collection method: clinical testing. Allele origin: unknown. Inheritance: Autosomal dominant inheritance. Affected: yes.
Comment: Criteria applied: PM1_SUP,PM5_SUP,PP3

Illumina Laboratory Services, Illumina
Classification: Uncertain significance for Charcot-Marie-Tooth disease type 1B. Last evaluated: 2017-04-28. Review status: criteria provided, single submitter. Criteria: ICSL Variant Classification Criteria 13 December 2019. Collection method: clinical testing. Allele origin: germline.

Illumina Laboratory Services, Illumina
Classification: Uncertain significance for Neuropathy, congenital hypomyelinating, 2. Last evaluated: 2017-04-28. Review status: criteria provided, single submitter. Criteria: ICSL Variant Classification Criteria 13 December 2019. Collection method: clinical testing. Allele origin: germline.

Illumina Laboratory Services, Illumina
Classification: Uncertain significance for Charcot-Marie-Tooth disease dominant intermediate D. Last evaluated: 2017-04-28. Review status: criteria provided, single submitter. Criteria: ICSL Variant Classification Criteria 13 December 2019. Collection method: clinical testing. Allele origin: germline.

Illumina Laboratory Services, Illumina
Classification: Uncertain significance for Roussy-Lévy syndrome. Last evaluated: 2017-04-28. Review status: criteria provided, single submitter. Criteria: ICSL Variant Classification Criteria 13 December 2019. Collection method: clinical testing. Allele origin: germline.

Inherited Neuropathy Consortium
Classification: Uncertain significance for Charcot-Marie-Tooth disease. Review status: no assertion criteria provided. Collection method: literature only. Allele origin: germline. Affected: yes. Not counted in ClinVar's aggregate classification.

Literature cited by the submitters: PubMed 20456450 (cited by Labcorp Genetics (formerly Invitae), Labcorp and Mayo Clinic Laboratories, Mayo Clinic); PubMed 36203352 (cited by Athena Diagnostics and Mayo Clinic Laboratories, Mayo Clinic); PubMed 26135405 (cited by Athena Diagnostics); PubMed 12901701 (cited by Athena Diagnostics); PubMed 33825325 (cited by Athena Diagnostics); PubMed 10093067 (cited by Athena Diagnostics); PubMed 9888385 (cited by 3 submitters).

NM_000530.8(MPZ):c.428C>T (p.Thr143Met)

Gene: MPZ (myelin protein zero; minus strand). Cytogenetic location: 1q23.3.
Variant type: single nucleotide variant.
Coding change: c.428C>T on transcript NM_000530.8 (MANE Select); coding-DNA position 428, C replaced by T.
Protein change: p.Thr143Met; replaces threonine 143 with methionine.
Molecular consequence: missense variant.
Genome position (GRCh38, 1-based): chr1:161,306,728, G>A on the plus strand (C>T on the coding strand, the complement: MPZ is on the minus strand). VCF-style: chr1-161306728-G-A. GRCh37 (hg19) VCF-style: chr1-161276518-G-A.
Other names: p.Thr143Met; c.428C>T (NM_000530.7, LRG_256t1); c.428C>T, p.Thr143Met (NM_001315491.2); short protein forms T143M.
Identifiers: ClinVar variation 531684 (VCV000531684.23), dbSNP rs750724650, ClinGen allele CA1210177.
Genomic context (GRCh38, chr1:161,306,728, plus strand): 5'-AAACTGCTTCCCATACCCTTGTCCCCATCCCTTCTCACACCTTTTTCAAAGACATACAGC[G>A]TGACCTGAGAGGTCTTGCCCACTATGTCTGGAGGGTTTTTGACGTCACAAGTGAACGTGC-3'
Protein context (NP_000521.2, residues 133-153): PDIVGKTSQV[Thr143Met]LYVFEKVPTR